The following is an entry in ClinVar:

NM_000454.5(SOD1):c.420C>T (p.Asn140=)

Gene: SOD1 (superoxide dismutase 1; plus strand). Cytogenetic location: 21q22.11.
Variant type: single nucleotide variant.
Coding change: c.420C>T on transcript NM_000454.5 (MANE Select); coding-DNA position 420, C replaced by T.
Protein change: p.Asn140=; no amino-acid change (asparagine 140 retained).
Molecular consequence: synonymous variant.
Genome position (GRCh38, 1-based): chr21:31,668,533, C>T. VCF-style: chr21-31668533-C-T. GRCh37 (hg19) VCF-style: chr21-33040846-C-T.
Identifiers: ClinVar variation 899186 (VCV000899186.16), dbSNP rs1804449, ClinGen allele CA9998982.

ClinVar aggregate classification (germline): Conflicting classifications of pathogenicity. Review status: criteria provided, conflicting classifications (1 of 4 stars). 4 submissions from 4 submitters: Uncertain significance (1); Likely benign (3). Last evaluated 2026-04-01.

Conditions:
Inborn genetic diseases. Identifiers: MedGen C0950123, MeSH D030342.
Amyotrophic lateral sclerosis type 1 (ALS1). Also called: AMYOTROPHIC LATERAL SCLEROSIS 1, FAMILIAL. Identifiers: Orphanet 803, MedGen C1862939, MONDO:0007103, OMIM 105400.

Allele frequency attached by ClinVar (database versions not stated): gnomAD 0.00005 and 0.00007; TOPMed 0.00008; ExAC 0.00011; gnomAD exomes 0.00012; 1000 Genomes Project 30x 0.00016; 1000 Genomes Project 0.00020.
gnomAD v4.1: 64 of 1,613,904 alleles (0.004%); highest among the groups gnomAD compares: East Asian, 0.062%; 2 homozygotes.

Submissions (4):

CeGaT Center for Human Genetics Tuebingen
Classification: Likely benign. Last evaluated: 2026-04-01. Review status: criteria provided, single submitter. Criteria: CeGaT Center For Human Genetics Tuebingen Variant Classification Criteria Version 2. Collection method: clinical testing. Allele origin: germline. Affected: yes. Observed: 1 variant allele.
Comment: SOD1: BP4, BP7

Labcorp Genetics (formerly Invitae), Labcorp
Classification: Likely benign for Amyotrophic lateral sclerosis type 1. Last evaluated: 2025-12-24. Review status: criteria provided, single submitter. Criteria: Invitae Variant Classification Sherloc (09022015). Collection method: clinical testing. Allele origin: germline.

Ambry Genetics
Classification: Likely benign for Inborn genetic diseases. Last evaluated: 2024-07-30. Review status: criteria provided, single submitter. Criteria: Ambry Variant Classification Scheme 2023. Collection method: clinical testing. Allele origin: germline.

Illumina Laboratory Services, Illumina
Classification: Uncertain significance for Amyotrophic lateral sclerosis type 1. Last evaluated: 2017-04-27. Review status: criteria provided, single submitter. Criteria: ICSL Variant Classification Criteria 13 December 2019. Collection method: clinical testing. Allele origin: germline.